The following is an entry in ClinVar:

ClinVar aggregate classification (germline): Conflicting classifications of pathogenicity. Review status: criteria provided, conflicting classifications (1 of 4 stars). 4 submissions from 4 submitters: Uncertain significance (1); Likely benign (3). Last evaluated 2025-09-26.

Conditions:
A2ML1-related disorder. Also called: A2ML1-related condition.

Allele frequency attached by ClinVar (database versions not stated): ESP Exome Variant Server 0.00008; gnomAD 0.00013; TOPMed 0.00046.
gnomAD v4.1: 262 of 1,613,920 alleles (0.016%); highest among the groups gnomAD compares: South Asian, 0.13%; 2 homozygotes.

Submissions (4):

Labcorp Genetics (formerly Invitae), Labcorp
Classification: Likely benign. Last evaluated: 2025-09-26. Review status: criteria provided, single submitter. Criteria: Invitae Variant Classification Sherloc (09022015). Collection method: clinical testing. Allele origin: germline.

Ambry Genetics
Classification: Uncertain significance. Last evaluated: 2025-08-07. Review status: criteria provided, single submitter. Criteria: Ambry Variant Classification Scheme 2023. Collection method: clinical testing. Allele origin: germline.

PreventionGenetics, part of Exact Sciences
Classification: Likely benign for A2ML1-related condition. Last evaluated: 2025-02-17. Review status: criteria provided, single submitter. Criteria: ACMG Guidelines, 2015. Collection method: clinical testing. Allele origin: germline.
Comment: This variant is classified as likely benign based on ACMG/AMP sequence variant interpretation guidelines (Richards et al. 2015 PMID: 25741868, with internal and published modifications).

Women's Health and Genetics/Laboratory Corporation of America, LabCorp
Classification: Likely benign. Last evaluated: 2023-03-27. Review status: criteria provided, single submitter. Criteria: LabCorp Variant Classification Summary - May 2015. Collection method: clinical testing. Allele origin: germline.
Comment: Variant summary: A2ML1 c.2840C>T (p.Thr947Met) results in a non-conservative amino acid change located in the Alpha-macroglobulin-like, TED domain (IPR011626) of the encoded protein sequence. Three of five in-silico tools predict a benign effect of the variant on protein function. The variant allele was found at a frequency of 0.00025 in 249520 control chromosomes, predominantly at a frequency of 0.00088 within the South Asian subpopulation in the gnomAD database. The observed variant frequency within South Asian control individuals in the gnomAD database is approximately 220-fold of the estimated maximal expected allele frequency for a pathogenic variant in A2ML1 causing Noonan Syndrome phenotype (4e-06), strongly suggesting that the variant is a benign polymorphism found primarily in populations of South Asian origin. To our knowledge, no occurrence of c.2840C>T in individuals affected with Noonan Syndrome and no experimental evidence demonstrating its impact on protein function have been reported. Two (other) submitters have provided clinical-significance assessments for this variant to ClinVar after 2014. One laboratory classified the variant as likely benign, and one classified the variant as uncertain significance. Based on the evidence outlined above, the variant was classified as likely benign.

NM_144670.6(A2ML1):c.2840C>T (p.Thr947Met)

Gene: A2ML1 (alpha-2-macroglobulin like 1; plus strand). Cytogenetic location: 12p13.31.
Variant type: single nucleotide variant.
Coding change: c.2840C>T on transcript NM_144670.6 (MANE Select); coding-DNA position 2840, C replaced by T.
Protein change: p.Thr947Met; replaces threonine 947 with methionine.
Molecular consequence: missense variant.
Genome position (GRCh38, 1-based): chr12:8,855,584, C>T. VCF-style: chr12-8855584-C-T. GRCh37 (hg19) VCF-style: chr12-9008180-C-T.
Other names: c.1367C>T, p.Thr456Met (NM_001282424.3); short protein forms T947M, T456M.
Identifiers: ClinVar variation 798258 (VCV000798258.17), dbSNP rs199873022, ClinGen allele CA6436159.